The following is an entry in ClinVar:

NM_005068.3(SIM1):c.776A>C (p.Asp259Ala)

Gene: SIM1 (SIM bHLH transcription factor 1; minus strand). Cytogenetic location: 6q16.3.
Variant type: single nucleotide variant.
Coding change: c.776A>C on transcript NM_005068.3 (MANE Select); coding-DNA position 776, A replaced by C.
Protein change: p.Asp259Ala; replaces aspartic acid 259 with alanine.
Molecular consequence: missense variant.
Genome position (GRCh38, 1-based): chr6:100,448,220, T>G on the plus strand (A>C on the coding strand, the complement: SIM1 is on the minus strand). VCF-style: chr6-100448220-T-G. GRCh37 (hg19) VCF-style: chr6-100896096-T-G.
Other names: c.776A>C, p.Asp259Ala (NM_001374769.1); short protein forms D259A.
Identifiers: ClinVar variation 1326611 (VCV001326611.4), dbSNP rs1772412619, ClinGen allele CA365123690.

ClinVar aggregate classification (germline): Uncertain significance. Review status: criteria provided, multiple submitters, no conflicts (2 of 4 stars). 2 submissions from 2 submitters: Uncertain significance (2). Last evaluated 2025-12-30.

Conditions:
SIM1-related disorder. Also called: SIM1-related condition; SIM1-related disorders.

Submissions (2):

PreventionGenetics, part of Exact Sciences
Classification: Uncertain significance for SIM1-related condition. Last evaluated: 2025-12-30. Review status: criteria provided, single submitter. Criteria: ACMG Guidelines, 2015. Collection method: clinical testing. Allele origin: germline.
Comment: The SIM1 c.776A>C variant is predicted to result in the amino acid substitution p.Asp259Ala. To our knowledge, this variant has not been reported in the literature or in a large population database (gnomAD), indicating this variant is rare. At this time, the clinical significance of this variant is uncertain due to the absence of conclusive functional and genetic evidence.

GeneDx
Classification: Uncertain significance. Last evaluated: 2024-08-16. Review status: criteria provided, single submitter. Criteria: GeneDx Variant Classification Process June 2021. Collection method: clinical testing. Allele origin: germline. Affected: yes.
Comment: Not observed at significant frequency in large population cohorts (gnomAD); In silico analysis supports that this missense variant has a deleterious effect on protein structure/function; Has not been previously published as pathogenic or benign to our knowledge